The following is an entry in ClinVar:

NM_001384474.1(LOXHD1):c.6234del (p.Ser2079fs)

Gene: LOXHD1 (lipoxygenase homology PLAT domains 1; minus strand). Cytogenetic location: 18q21.1.
Variant type: Deletion.
Coding change: c.6234del on transcript NM_001384474.1 (MANE Select); coding-DNA position 6234, one base deleted (C; older notation c.6234delC).
Protein change: p.Ser2079fs; shifts the reading frame from serine 2079.
Molecular consequence: frameshift variant.
Genome position (GRCh38, 1-based): chr18:46,483,694, G deleted on the plus strand (C on the coding strand, the reverse complement: LOXHD1 is on the minus strand); the first of 2 consecutive G bases (chr18:46,483,694-46,483,695); deleting either gives the same sequence. VCF-style (leftmost placement, unchanged base first): chr18-46483693-AG-A. GRCh37 (hg19) VCF-style: chr18-44063656-AG-A.
Other names: c.2901del, p.Ser968fs (NM_001145472.3); c.951del, p.Ser318fs (NM_001145473.3, NM_001173129.2); c.2613del, p.Ser872fs (NM_001308013.2); c.6048del, p.Ser2017fs (NM_144612.7); short protein forms S872fs, S968fs, S2017fs, S318fs, S2079fs.
Identifiers: ClinVar variation 971406 (VCV000971406.9), dbSNP rs2032781418, ClinGen allele CA1139666052.

ClinVar aggregate classification (germline): Likely pathogenic (1 of 4 stars; one submission).

Submission:

Labcorp Genetics (formerly Invitae), Labcorp
Classification: Likely pathogenic. Last evaluated: 2019-11-11. Review status: criteria provided, single submitter. Criteria: Invitae Variant Classification Sherloc (09022015). Collection method: clinical testing. Allele origin: germline.
Comment: In summary, the currently available evidence indicates that the variant is pathogenic, but additional data are needed to prove that conclusively. Therefore, this variant has been classified as Likely Pathogenic. This variant disrupts the p.Gly2118 amino acid residue in LOXHD1. Other variant(s) that disrupt this residue have been determined to be pathogenic (PMID: 29676012). This suggests that this residue is clinically significant, and that variants that disrupt this residue are likely to be disease-causing. This sequence change results in a premature translational stop signal in the LOXHD1 gene (p.Ser2017Profs*82). While this is not anticipated to result in nonsense mediated decay, it is expected to disrupt the last 195 amino acids of the LOXHD1 protein. This variant is not present in population databases (ExAC no frequency). This variant has not been reported in the literature in individuals with LOXHD1-related conditions.

Literature cited by the submitters: PubMed 29676012.